The following is an entry in ClinVar:

NM_000218.3(KCNQ1):c.1430C>T (p.Pro477Leu)

Genes: KCNQ1 (potassium voltage-gated channel subfamily Q member 1; plus strand), KCNQ1OT1 (KCNQ1 opposite strand/antisense transcript 1; minus strand). Cytogenetic location: 11p15.5.
Variant type: single nucleotide variant.
Coding change: c.1430C>T on transcript NM_000218.3 (MANE Select); coding-DNA position 1430, C replaced by T.
Protein change: p.Pro477Leu; replaces proline 477 with leucine.
Molecular consequence: missense variant.
Genome position (GRCh38, 1-based): chr11:2,661,997, C>T. VCF-style: chr11-2661997-C-T. GRCh37 (hg19) VCF-style: chr11-2683227-C-T.
Other names: c.1430C>T (LRG_287t1); c.1334C>T, p.Pro445Leu (NM_001406836.1); c.1160C>T, p.Pro387Leu (NM_001406837.1); c.890C>T, p.Pro297Leu (NM_001406838.1); c.1049C>T, p.Pro350Leu (NM_181798.2); short protein forms P477L, P350L, P297L, P445L, P387L.
Identifiers: ClinVar variation 67032 (VCV000067032.5), dbSNP rs199472784, ClinGen allele CA005760.

ClinVar aggregate classification (germline): Uncertain significance. Review status: criteria provided, single submitter (1 of 4 stars). 2 submissions from 2 submitters: Uncertain significance (1). 1 of the submissions does not count toward it. Last evaluated 2026-01-19.

Conditions:
Familial long QT syndrome (RWS). Also called: Congenital long QT syndrome; Romano-Ward syndrome; VENTRICULAR FIBRILLATION WITH PROLONGED QT INTERVAL. Identifiers: Orphanet 768, MedGen C1141890, MONDO:0019171.
Long QT syndrome (LQTS). Identifiers: MedGen C0023976, MeSH D008133, MONDO:0002442. Disease mechanism: loss of function. Inheritance: Various modes of inheritance.

Submissions (2):

Labcorp Genetics (formerly Invitae), Labcorp
Classification: Uncertain significance for Long QT syndrome. Last evaluated: 2026-01-19. Review status: criteria provided, single submitter. Criteria: Invitae Variant Classification Sherloc (09022015). Collection method: clinical testing. Allele origin: germline.
Comment: This sequence change replaces proline, which is neutral and non-polar, with leucine, which is neutral and non-polar, at codon 477 of the KCNQ1 protein (p.Pro477Leu). This variant is not present in population databases (gnomAD no frequency). This missense change has been observed in individual(s) with clinical features of long QT Syndrome (PMID: 19716085). ClinVar contains an entry for this variant (Variation ID: 67032). Invitae Evidence Modeling of protein sequence and biophysical properties (such as structural, functional, and spatial information, amino acid conservation, physicochemical variation, residue mobility, and thermodynamic stability) has been performed for this missense variant. However, the output from this modeling did not meet the statistical confidence thresholds required to predict the impact of this variant on KCNQ1 protein function. Experimental studies have shown that this missense change does not substantially affect KCNQ1 function (PMID: 29197658). In summary, the available evidence is currently insufficient to determine the role of this variant in disease. Therefore, it has been classified as a Variant of Uncertain Significance.

Cardiovascular Biomedical Research Unit, Royal Brompton & Harefield NHS Foundation Trust
No classification provided. Condition: Familial long QT syndrome. Review status: no classification provided. Collection method: literature only. Allele origin: germline. Not counted in ClinVar's aggregate classification.
Comment: This variant has been reported as associated with Long QT syndrome in the following publications (PMID:19716085). This is a literature report, and does not necessarily reflect the clinical interpretation of the Imperial College / Royal Brompton Cardiovascular Genetics laboratory.

Literature cited by the submitters: PubMed 19716085 (cited by Labcorp Genetics (formerly Invitae), Labcorp and Cardiovascular Biomedical Research Unit, Royal Brompton & Harefield NHS Foundation Trust); PubMed 29197658 (cited by Labcorp Genetics (formerly Invitae), Labcorp); PubMed 22581653 (cited by Cardiovascular Biomedical Research Unit, Royal Brompton & Harefield NHS Foundation Trust).